The following is an entry in ClinVar:

NM_198586.3(NHLRC1):c.39T>G (p.His13Gln)

Gene: NHLRC1 (NHL repeat containing E3 ubiquitin protein ligase 1; minus strand). Cytogenetic location: 6p22.3.
Variant type: single nucleotide variant.
Coding change: c.39T>G on transcript NM_198586.3 (MANE Select); coding-DNA position 39, T replaced by G.
Protein change: p.His13Gln; replaces histidine 13 with glutamine.
Molecular consequence: missense variant.
Genome position (GRCh38, 1-based): chr6:18,122,568, A>C on the plus strand (T>G on the coding strand, the complement: NHLRC1 is on the minus strand). VCF-style: chr6-18122568-A-C. GRCh37 (hg19) VCF-style: chr6-18122799-A-C.
Other names: short protein forms H13Q.
Identifiers: ClinVar variation 1411453 (VCV001411453.6), dbSNP rs2150703410, ClinGen allele CA362829725.

ClinVar aggregate classification (germline): Uncertain significance (1 of 4 stars; one submission).

Conditions:
Lafora disease. Also called: Epilepsy progressive myoclonic 2; Progressive Myoclonus Epilepsy, Lafora Type. Identifiers: Orphanet 501, MedGen C0751783, MONDO:0009697.

Submission:

Labcorp Genetics (formerly Invitae), Labcorp
Classification: Uncertain significance for Lafora disease. Last evaluated: 2021-10-21. Review status: criteria provided, single submitter. Criteria: Invitae Variant Classification Sherloc (09022015). Collection method: clinical testing. Allele origin: germline.
Comment: This variant has not been reported in the literature in individuals affected with NHLRC1-related conditions. This variant is not present in population databases (ExAC no frequency). This sequence change replaces histidine with glutamine at codon 13 of the NHLRC1 protein (p.His13Gln). The histidine residue is weakly conserved and there is a small physicochemical difference between histidine and glutamine. Algorithms developed to predict the effect of missense changes on protein structure and function output the following: SIFT: "Tolerated"; PolyPhen-2: "Benign"; Align-GVGD: "Class C0". The glutamine amino acid residue is found in multiple mammalian species, which suggests that this missense change does not adversely affect protein function. In summary, the available evidence is currently insufficient to determine the role of this variant in disease. Therefore, it has been classified as a Variant of Uncertain Significance.